The following is an entry in ClinVar:

ClinVar aggregate classification (germline): Uncertain significance. Review status: criteria provided, multiple submitters, no conflicts (2 of 4 stars). 2 submissions from 2 submitters: Uncertain significance (2). Last evaluated 2022-07-21.

Conditions:
Emery-Dreifuss muscular dystrophy (EDMD). Also called: Scapuloperoneal syndrome, X-linked (formerly); Humeroperoneal neuromuscular disease, (formerly). Identifiers: Orphanet 261, MedGen C0410189, MONDO:0016830.

Allele frequency attached by ClinVar (database versions not stated): gnomAD exomes below 0.00001.
gnomAD v4.1: 1 of 1,613,318 alleles (0.000062%); highest among the groups gnomAD compares: Admixed American, 0.0017%; no homozygotes.

Submissions (2):

Labcorp Genetics (formerly Invitae), Labcorp
Classification: Uncertain significance for Emery-Dreifuss muscular dystrophy. Last evaluated: 2022-07-21. Review status: criteria provided, single submitter. Criteria: Invitae Variant Classification Sherloc (09022015). Collection method: clinical testing. Allele origin: germline.
Comment: This variant has not been reported in the literature in individuals affected with SUN1-related conditions. In summary, the available evidence is currently insufficient to determine the role of this variant in disease. Therefore, it has been classified as a Variant of Uncertain Significance. Algorithms developed to predict the effect of missense changes on protein structure and function are either unavailable or do not agree on the potential impact of this missense change (SIFT: "Deleterious"; PolyPhen-2: "Benign"; Align-GVGD: "Class C0"). This variant is not present in population databases (gnomAD no frequency). This sequence change replaces phenylalanine, which is neutral and non-polar, with leucine, which is neutral and non-polar, at codon 3 of the SUN1 protein (p.Phe3Leu).

Ambry Genetics
Classification: Uncertain significance. Last evaluated: 2021-11-09. Review status: criteria provided, single submitter. Criteria: Ambry Variant Classification Scheme 2023. Collection method: clinical testing. Allele origin: germline.

NM_001130965.3(SUN1):c.7T>C (p.Phe3Leu)

Genes: SUN1 (Sad1 and UNC84 domain containing 1; plus strand), LOC126859921 (P300/CBP strongly-dependent group 1 enhancer GRCh37_chr7:871666-872865; plus strand). Cytogenetic location: 7p22.3.
Variant type: single nucleotide variant.
Coding change: c.7T>C on transcript NM_001130965.3 (MANE Select); coding-DNA position 7, T replaced by C.
Protein change: p.Phe3Leu; replaces phenylalanine 3 with leucine.
Molecular consequence: missense variant. On other transcripts: 5 prime UTR variant (1), non-coding transcript variant (3), intron variant (30).
Genome position (GRCh38, 1-based): chr7:832,531, T>C. VCF-style: chr7-832531-T-C. GRCh37 (hg19) VCF-style: chr7-872168-T-C.
Other names: c.7T>C (NM_001130965.2); c.7T>C, p.Phe3Leu (NM_001171944.2, NM_001171946.2, NM_001367633.1 and 35 more transcripts); c.70T>C, p.Phe24Leu (NM_001171945.2); c.-451T>C (NM_001367635.1); c.297-6267T>C (NM_001367651.1); c.-73-6267T>C (NM_001367666.1, NM_001367655.1, NM_001367691.1 and 24 more transcripts); c.-684-6267T>C (NM_001367658.1); c.-301-9415T>C (NM_001367639.1); short protein forms F3L, F24L.
Identifiers: ClinVar variation 2150946 (VCV002150946.5), dbSNP rs1562542721, ClinGen allele CA366541248.
Genomic context (GRCh38, chr7:832,531, plus strand): 5'-AAAACACTCTGCATTTCTTTCCCGCCCTCTGCAGTATGGTTTGAAGTGGTGAACATGGAT[T>C]TTTCTCGGCTTCACATGTACAGTCCTCCCCAGTGTGTGCCGGAGAACACGGGCTACACGT-3'
Protein context (NP_001124437.1, residues 1-13): MD[Phe3Leu]SRLHMYSPPQ